The following is an entry in ClinVar:

ClinVar aggregate classification (germline): Pathogenic (1 of 4 stars; one submission).

Submission:

Baylor Genetics
Classification: Pathogenic. Last evaluated: 2018-11-01. Review status: criteria provided, single submitter. Criteria: ACMG CNV Guidelines, 2011. Collection method: clinical testing. Allele origin: maternal. Observed: 2 variant alleles.
Comment: Deletions involving this region have been previously reported in patients with developmental delay, microcephaly, epilepsy, short stature, facial dysmorphism and behavioral problems [PMID: 23637818, 19843651]

GRCh37/hg19 16p13.11(chr16:15425965-16199736)

Genes: ABCC1 (ATP binding cassette subfamily C member 1 (ABCC1 blood group); plus strand), BMERB1 (bMERB domain containing 1; plus strand), CEP20 (centrosomal protein 20; minus strand), MARF1 (meiosis regulator and mRNA stability factor 1; minus strand), MPV17L (MPV17 mitochondrial inner membrane protein like; plus strand) and 3 more. Cytogenetic location: 16p13.11.
Variant type: copy number loss.
Identifiers: ClinVar variation 625835 (VCV000625835.1).